The following is an entry in ClinVar:

NM_015627.3(LDLRAP1):c.232-11C>G

Gene: LDLRAP1 (low density lipoprotein receptor adaptor protein 1; plus strand). Cytogenetic location: 1p36.11.
Variant type: single nucleotide variant.
Coding change: c.232-11C>G on transcript NM_015627.3 (MANE Select); 11 bases into the intron before coding-DNA position 232, C replaced by G.
Molecular consequence: intron variant.
Genome position (GRCh38, 1-based): chr1:25,554,849, C>G. VCF-style: chr1-25554849-C-G. GRCh37 (hg19) VCF-style: chr1-25881340-C-G.
Identifiers: ClinVar variation 4540602 (VCV004540602.1).

ClinVar aggregate classification (germline): Uncertain significance (1 of 4 stars; one submission).

Conditions:
Familial hypercholesterolemia. Also called: Familial hypercholesterolaemia. Identifiers: MedGen C0020445, MONDO:0005439.

gnomAD v4.1: 1 of 1,609,906 alleles (0.000062%); highest among the groups gnomAD compares: Non-Finnish European, 0.000085%; no homozygotes.

Submission:

Cambridge Genomics Laboratory, East Genomic Laboratory Hub, NHS Genomic Medicine Service
Classification: Uncertain significance for Familial hypercholesterolaemia. Last evaluated: 2025-09-26. Review status: criteria provided, single submitter. Criteria: ACGS Best Practice Guidelines for Variant Classification in Rare Disease 2020. Collection method: clinical testing. Allele origin: germline. Affected: yes.
Comment: PM2